The following is an entry in ClinVar:

NM_000455.5(STK11):c.1176G>A (p.Met392Ile)

Gene: STK11 (serine/threonine kinase 11; plus strand). Cytogenetic location: 19p13.3.
Variant type: single nucleotide variant.
Coding change: c.1176G>A on transcript NM_000455.5 (MANE Select); coding-DNA position 1176, G replaced by A.
Protein change: p.Met392Ile; replaces methionine 392 with isoleucine.
Molecular consequence: missense variant.
Genome position (GRCh38, 1-based): chr19:1,226,521, G>A. VCF-style: chr19-1226521-G-A. GRCh37 (hg19) VCF-style: chr19-1226520-G-A.
Other names: c.1176G>A (NM_000455.4); short protein forms M392I.
Identifiers: ClinVar variation 1103511 (VCV001103511.12), dbSNP rs746930791, ClinGen allele CA045737.
Genomic context (GRCh38, chr19:1,226,521, plus strand): 5'-CCCAGAAGAGGAGGCCAGTCACAATGGACAGCGCCGGGGCCTCCCCAAGGCCGTGTGTAT[G>A]AACGGCACAGAGGCGGCGCAGCTGAGCACCAAATCCAGGGCGGAGGGCCGGGCCCCCAAC-3'
Protein context (NP_000446.1, residues 382-402): QRRGLPKAVC[Met392Ile]NGTEAAQLST

ClinVar aggregate classification (germline): Benign/Likely benign. Review status: criteria provided, multiple submitters, no conflicts (2 of 4 stars). 3 submissions from 3 submitters: Benign (1); Likely benign (2). Last evaluated 2024-12-02.

Conditions:
Peutz-Jeghers syndrome (PJS). Also called: Peutz-Jeghers polyposis; Periorificial lentiginosis syndrome; POLYPOSIS, HAMARTOMATOUS INTESTINAL; POLYPS-AND-SPOTS SYNDROME. Identifiers: Orphanet 2869, MedGen C0031269, MeSH D010580, MONDO:0008280, OMIM 175200.
Hereditary cancer-predisposing syndrome. Also called: Neoplastic Syndromes, Hereditary; Hereditary neoplastic syndrome; Hereditary Cancer Syndrome; Tumor predisposition. Identifiers: Orphanet 140162, MedGen C0027672, MeSH D009386, MONDO:0015356.

Allele frequency attached by ClinVar (database versions not stated): ExAC 0.00001; gnomAD 0.00001; gnomAD exomes 0.00001 and 0.00002.
gnomAD v4.1: 13 of 1,609,532 alleles (0.00081%); highest among the groups gnomAD compares: South Asian, 0.014%; no homozygotes.

Submissions (3):

Labcorp Genetics (formerly Invitae), Labcorp
Classification: Likely benign for Peutz-Jeghers syndrome. Last evaluated: 2024-12-02. Review status: criteria provided, single submitter. Criteria: Invitae Variant Classification Sherloc (09022015). Collection method: clinical testing. Allele origin: germline.

Ambry Genetics
Classification: Benign for Hereditary cancer-predisposing syndrome. Last evaluated: 2024-08-12. Review status: criteria provided, single submitter. Criteria: Ambry Variant Classification Scheme 2023. Collection method: clinical testing. Allele origin: germline.

Myriad Genetics, Inc.
Classification: Likely benign for Peutz-Jeghers syndrome. Last evaluated: 2023-04-04. Review status: criteria provided, single submitter. Criteria: Myriad Autosomal Dominant, Autosomal Recessive and X-Linked Classification Criteria (2023). Collection method: clinical testing. Allele origin: unknown.
Comment: This variant is considered likely benign. Homozygosity has been confirmed in one or more individuals. As homozygosity for pathogenic variants in this gene is generally assumed to result in embryonic lethality, this variant is unlikely to be pathogenic.